The following is an entry in ClinVar:

NM_000094.4(COL7A1):c.2051-1G>A

Gene: COL7A1 (collagen type VII alpha 1 chain; minus strand). Cytogenetic location: 3p21.31.
Variant type: single nucleotide variant.
Coding change: c.2051-1G>A on transcript NM_000094.4 (MANE Select); the canonical splice acceptor site of the intron before coding-DNA position 2051, G replaced by A.
Molecular consequence: splice acceptor variant.
Genome position (GRCh38, 1-based): chr3:48,589,719, C>T on the plus strand (G>A on the coding strand, the complement: COL7A1 is on the minus strand). VCF-style: chr3-48589719-C-T. GRCh37 (hg19) VCF-style: chr3-48627152-C-T.
Identifiers: ClinVar variation 4734439 (VCV004734439.1).

ClinVar aggregate classification (germline): Pathogenic (1 of 4 stars; one submission).

Submission:

Labcorp Genetics (formerly Invitae), Labcorp
Classification: Pathogenic. Last evaluated: 2026-01-06. Review status: criteria provided, single submitter. Criteria: Invitae Variant Classification Sherloc (09022015). Collection method: clinical testing. Allele origin: germline.
Comment: This sequence change affects an acceptor splice site in intron 15 of the COL7A1 gene. It is expected to disrupt RNA splicing. Variants that disrupt the donor or acceptor splice site typically lead to a loss of protein function (PMID: 16199547), and loss-of-function variants in COL7A1 are known to be pathogenic (PMID: 16971478). This variant is not present in population databases (gnomAD no frequency). Disruption of this splice site has been observed in individual(s) with autosomal recessive COL7A1-related conditions (PMID: 21113014). Algorithms developed to predict the effect of sequence changes on RNA splicing suggest that this variant may disrupt the consensus splice site. For these reasons, this variant has been classified as Pathogenic.

Literature cited by the submitters: PubMed 16199547; PubMed 16971478; PubMed 21113014.